The following is an entry in ClinVar:

ClinVar aggregate classification (germline): Likely pathogenic (1 of 4 stars; one submission).

Conditions:
Nephronophthisis. Also called: Juvenile Nephronophthisis. Identifiers: Orphanet 655, MedGen C0687120, MONDO:0019005, HP:0000090.
Jeune thoracic dystrophy. Also called: Short-rib thoracic dysplasia; Jeune syndrome; Infantile thoracic dystrophy; Thoracic pelvic phalangeal dystrophy; Jeune's syndrome; Chondroectodermal dysplasia-like syndrome. Identifiers: Orphanet 474, MedGen C0265275, MONDO:0018770.

Submission:

Labcorp Genetics (formerly Invitae), Labcorp
Classification: Likely pathogenic for Jeune thoracic dystrophy; Nephronophthisis. Last evaluated: 2022-10-04. Review status: criteria provided, single submitter. Criteria: Invitae Variant Classification Sherloc (09022015). Collection method: clinical testing. Allele origin: germline.
Comment: Algorithms developed to predict the effect of sequence changes on RNA splicing suggest that this variant may disrupt the consensus splice site. This sequence change affects a donor splice site in intron 12 of the TTC21B gene. It is expected to disrupt RNA splicing. Variants that disrupt the donor or acceptor splice site typically lead to a loss of protein function (PMID: 16199547), and loss-of-function variants in TTC21B are known to be pathogenic (PMID: 18327258, 21068128, 21258341, 23559409, 24876116, 25492405, 27491411, 29068549). This variant is not present in population databases (gnomAD no frequency). This variant has not been reported in the literature in individuals affected with TTC21B-related conditions. ClinVar contains an entry for this variant (Variation ID: 1347973). In summary, the currently available evidence indicates that the variant is pathogenic, but additional data are needed to prove that conclusively. Therefore, this variant has been classified as Likely Pathogenic.

Literature cited by the submitters: PubMed 16199547; PubMed 18327258; PubMed 21068128; PubMed 21258341; PubMed 23559409; PubMed 24876116; PubMed 25492405; PubMed 27491411; PubMed 29068549.

NM_024753.5(TTC21B):c.1516+2T>G

Gene: TTC21B (tetratricopeptide repeat domain 21B; minus strand). Cytogenetic location: 2q24.3.
Variant type: single nucleotide variant.
Coding change: c.1516+2T>G on transcript NM_024753.5 (MANE Select); the canonical splice donor site of the intron after coding-DNA position 1516, T replaced by G.
Molecular consequence: splice donor variant.
Genome position (GRCh38, 1-based): chr2:165,924,547, A>C on the plus strand (T>G on the coding strand, the complement: TTC21B is on the minus strand). VCF-style: chr2-165924547-A-C. GRCh37 (hg19) VCF-style: chr2-166781057-A-C.
Identifiers: ClinVar variation 1347973 (VCV001347973.6), dbSNP rs748598334, ClinGen allele CA349062144.